The following is an entry in ClinVar:

ClinVar aggregate classification (germline): Uncertain significance. Review status: criteria provided, multiple submitters, no conflicts (2 of 4 stars). 2 submissions from 2 submitters: Uncertain significance (2). Last evaluated 2025-04-04.

Conditions:
TTN-related disorder. Also called: TTN-related condition; TTN-related disease; TTN-related disorders.

Allele frequency attached by ClinVar (database versions not stated): gnomAD exomes below 0.00001; TOPMed 0.00001.

Submissions (2):

PreventionGenetics, part of Exact Sciences
Classification: Uncertain significance for TTN-related condition. Last evaluated: 2025-04-04. Review status: criteria provided, single submitter. Criteria: ACMG Guidelines, 2015. Collection method: clinical testing. Allele origin: germline.
Comment: The TTN c.9216G>T variant is predicted to result in the amino acid substitution p.Lys3072Asn. To our knowledge, this variant has not been reported in the literature or in a large population database (gnomAD), indicating this variant is rare. At this time, the clinical significance of this variant is uncertain due to the absence of conclusive functional and genetic evidence.

Revvity Omics, Revvity
Classification: Uncertain significance. Last evaluated: 2022-04-21. Review status: criteria provided, single submitter. Criteria: ACMG Guidelines, 2015. Collection method: clinical testing. Allele origin: germline.

NM_001267550.2(TTN):c.9216G>T (p.Lys3072Asn)

Gene: TTN (titin; minus strand). Cytogenetic location: 2q31.2.
Variant type: single nucleotide variant.
Coding change: c.9216G>T on transcript NM_001267550.2 (MANE Select); coding-DNA position 9216, G replaced by T.
Protein change: p.Lys3072Asn; replaces lysine 3072 with asparagine.
Molecular consequence: missense variant.
Genome position (GRCh38, 1-based): chr2:178,768,103, C>A on the plus strand (G>T on the coding strand, the complement: TTN is on the minus strand). VCF-style: chr2-178768103-C-A. GRCh37 (hg19) VCF-style: chr2-179632830-C-A.
Other names: c.9216G>T, p.Lys3072Asn (NM_001256850.1, NM_133378.4, NM_133379.5); c.9078G>T, p.Lys3026Asn (NM_003319.4, NM_133432.3, NM_133437.4); short protein forms K3026N, K3072N.
Identifiers: ClinVar variation 2437982 (VCV002437982.4), dbSNP rs1182000652, ClinGen allele CA349675655.